The following is an entry in ClinVar:

ClinVar aggregate classification (germline): Conflicting classifications of pathogenicity. Review status: criteria provided, conflicting classifications (1 of 4 stars). 3 submissions from 3 submitters: Uncertain significance (1); Benign (1); Likely benign (1). Last evaluated 2025-05-30.

Conditions:
Familial adenomatous polyposis 1 (FAP1). Also called: POLYPOSIS, ADENOMATOUS INTESTINAL; FAMILIAL ADENOMATOUS POLYPOSIS 1, ATTENUATED. Identifiers: MedGen C2713442, MONDO:0021056, OMIM 175100. Disease mechanism: loss of function.
Hereditary cancer-predisposing syndrome. Also called: Hereditary neoplastic syndrome; Neoplastic Syndromes, Hereditary; Tumor predisposition; Hereditary Cancer Syndrome. Identifiers: Orphanet 140162, MedGen C0027672, MeSH D009386, MONDO:0015356.

Allele frequency attached by ClinVar (database versions not stated): gnomAD 0.00003 and 0.00004; gnomAD exomes 0.00003; ExAC 0.00005.
gnomAD v4.1: 21 of 1,607,350 alleles (0.0013%); no homozygotes.

Submissions (3):

Ambry Genetics
Classification: Benign for Hereditary cancer-predisposing syndrome. Last evaluated: 2025-05-30. Review status: criteria provided, single submitter. Criteria: Ambry Variant Classification Scheme 2023. Collection method: clinical testing. Allele origin: germline.

GeneDx
Classification: Uncertain significance. Last evaluated: 2024-05-13. Review status: criteria provided, single submitter. Criteria: GeneDx Variant Classification Process June 2021. Collection method: clinical testing. Allele origin: germline. Affected: yes.
Comment: In silico analysis indicates that this missense variant does not alter protein structure/function; Has not been previously published as pathogenic or benign to our knowledge

Labcorp Genetics (formerly Invitae), Labcorp
Classification: Likely benign for Familial adenomatous polyposis 1. Last evaluated: 2023-08-16. Review status: criteria provided, single submitter. Criteria: Invitae Variant Classification Sherloc (09022015). Collection method: clinical testing. Allele origin: germline.

NM_000038.6(APC):c.634A>G (p.Lys212Glu)

Gene: APC (APC regulator of Wnt signaling pathway; plus strand). Cytogenetic location: 5q22.2.
Variant type: single nucleotide variant.
Coding change: c.634A>G on transcript NM_000038.6 (MANE Select); coding-DNA position 634, A replaced by G.
Protein change: p.Lys212Glu; replaces lysine 212 with glutamic acid.
Molecular consequence: missense variant. On other transcripts: 5 prime UTR variant (1).
Genome position (GRCh38, 1-based): chr5:112,780,892, A>G. VCF-style: chr5-112780892-A-G. GRCh37 (hg19) VCF-style: chr5-112116589-A-G.
Other names: c.634A>G, p.Lys212Glu (NM_001127510.3, NM_001354895.2, NM_001354896.2 and 2 more transcripts); c.664A>G, p.Lys222Glu (NM_001127511.3, NM_001354897.2, NM_001354902.2); c.559A>G, p.Lys187Glu (NM_001354898.2, NM_001354904.2); c.457A>G, p.Lys153Glu (NM_001354900.2, NM_001354901.2, NM_001354905.2); c.-402A>G (NM_001354906.2); short protein forms K212E, K222E, K187E, K153E.
Identifiers: ClinVar variation 470043 (VCV000470043.14), dbSNP rs771232437, ClinGen allele CA044408.
Genomic context (GRCh38, chr5:112,780,892, plus strand): 5'-GAAGCAAGGCAAATCAGAGTTGCGATGGAAGAACAACTAGGTACCTGCCAGGATATGGAA[A>G]AACGAGCACAGGTAAGTTACTTGTTTCTAAGTGATAAAACAGCGAAGAGCTATTAGGAAT-3'
Protein context (NP_000029.2, residues 202-222): EQLGTCQDME[Lys212Glu]RAQRRIARIQ